The following is an entry in ClinVar:

NM_000206.3(IL2RG):c.664C>G (p.Arg222Gly)

Gene: IL2RG (interleukin 2 receptor subunit gamma; minus strand). Cytogenetic location: Xq13.1.
Variant type: single nucleotide variant.
Coding change: c.664C>G on transcript NM_000206.3 (MANE Select); coding-DNA position 664, C replaced by G.
Protein change: p.Arg222Gly; replaces arginine 222 with glycine.
Molecular consequence: missense variant.
Genome position (GRCh38, 1-based): chrX:71,109,321, G>C on the plus strand (C>G on the coding strand, the complement: IL2RG is on the minus strand). VCF-style: chrX-71109321-G-C. GRCh37 (hg19) VCF-style: chrX-70329171-G-C.
Other names: short protein forms R222G.
Identifiers: ClinVar variation 2773232 (VCV002773232.3), dbSNP rs111033618, ClinGen allele CA413496015.
Genomic context (GRCh38, chrX:71,109,321, plus strand): 5'-GGCTCCATTCACTCCAATGCTGAGCACTTCCACAGAGTGGGTTAAAGCGGCTCCGAACAC[G>C]AAACGTGTAGCGTTTCTGCCCATCCACACTAGGCAAGGAGAACTTATGTCTATAATCCAC-3'
Protein context (NP_000197.1, residues 212-232): SVDGQKRYTF[Arg222Gly]VRSRFNPLCG

ClinVar aggregate classification (germline): Likely pathogenic (1 of 4 stars; one submission).

Conditions:
X-linked severe combined immunodeficiency (SCIDX1). Also called: X-Linked Combined Immunodeficiency Diseases; IMMUNODEFICIENCY 4; SCID, X-LINKED; SEVERE COMBINED IMMUNODEFICIENCY, X-LINKED, T CELL-NEGATIVE, B CELL-POSITIVE, NK CELL-NEGATIVE; T-B+ severe combined immunodeficiency due to gamma chain deficiency. Identifiers: Orphanet 276, MedGen C6022468, MONDO:0010315, OMIM 300400. Disease mechanism: loss of function.

Submission:

Labcorp Genetics (formerly Invitae), Labcorp
Classification: Likely pathogenic for X-linked severe combined immunodeficiency. Last evaluated: 2024-01-30. Review status: criteria provided, single submitter. Criteria: Invitae Variant Classification Sherloc (09022015). Collection method: clinical testing. Allele origin: germline.
Comment: This sequence change replaces arginine, which is basic and polar, with glycine, which is neutral and non-polar, at codon 222 of the IL2RG protein (p.Arg222Gly). This variant is not present in population databases (gnomAD no frequency). This missense change has been observed in individual(s) with severe combined immunodeficiency (Invitae). Advanced modeling of protein sequence and biophysical properties (such as structural, functional, and spatial information, amino acid conservation, physicochemical variation, residue mobility, and thermodynamic stability) performed at Invitae indicates that this missense variant is expected to disrupt IL2RG protein function with a positive predictive value of 80%. This variant disrupts the p.Arg222 amino acid residue in IL2RG. Other variant(s) that disrupt this residue have been determined to be pathogenic (PMID: 7557965, 9399950, 10794431, 16227049, 25042067, 29948574, 31965297). This suggests that this residue is clinically significant, and that variants that disrupt this residue are likely to be disease-causing. In summary, the currently available evidence indicates that the variant is pathogenic, but additional data are needed to prove that conclusively. Therefore, this variant has been classified as Likely Pathogenic.

Literature cited by the submitters: PubMed 7557965; PubMed 9399950; PubMed 10794431; PubMed 16227049; PubMed 25042067; PubMed 29948574; PubMed 31965297.